The following is an entry in ClinVar:

NM_006361.6(HOXB13):c.522C>G (p.Leu174=)

Gene: HOXB13 (homeobox B13; minus strand). Cytogenetic location: 17q21.32.
Variant type: single nucleotide variant.
Coding change: c.522C>G on transcript NM_006361.6 (MANE Select); coding-DNA position 522, C replaced by G.
Protein change: p.Leu174=; no amino-acid change (leucine 174 retained).
Molecular consequence: synonymous variant.
Genome position (GRCh38, 1-based): chr17:48,728,072, G>C on the plus strand (C>G on the coding strand, the complement: HOXB13 is on the minus strand). VCF-style: chr17-48728072-G-C. GRCh37 (hg19) VCF-style: chr17-46805434-G-C.
Identifiers: ClinVar variation 483521 (VCV000483521.15), dbSNP rs1408338112, ClinGen allele CA500660846.
Genomic context (GRCh38, chr17:48,728,072, plus strand): 5'-AAAGGGACCTGGTGGGTTCTGTTCTCCCTGGCAACACATCTGGCTGTTCCAGCCACCAGC[G>C]AGAGCCCAAGACTGGTAACTGTCCACAGGCAACAGGGAGTCATGTCGCGGTTCTCCAGGA-3'
Protein context (NP_006352.2, residues 164-184): LPVDSYQSWA[Leu174=]AGGWNSQMCC

ClinVar aggregate classification (germline): Benign/Likely benign. Review status: criteria provided, multiple submitters, no conflicts (2 of 4 stars). 3 submissions from 3 submitters: Benign (1); Likely benign (2). Last evaluated 2025-11-16.

Conditions:
Hereditary cancer-predisposing syndrome. Also called: Neoplastic Syndromes, Hereditary; Tumor predisposition; Hereditary Cancer Syndrome; Hereditary neoplastic syndrome. Identifiers: Orphanet 140162, MedGen C0027672, MeSH D009386, MONDO:0015356.
Prostate cancer, hereditary, 9 (HPC9). Identifiers: Orphanet 1331, MedGen C1970250, MONDO:0012597, OMIM 610997.

Allele frequency attached by ClinVar (database versions not stated): gnomAD exomes below 0.00001; TOPMed 0.00001.
gnomAD v4.1: 5 of 1,614,180 alleles (0.00031%); highest among the groups gnomAD compares: Admixed American, 0.0017%; no homozygotes.

Submissions (3):

Labcorp Genetics (formerly Invitae), Labcorp
Classification: Likely benign. Last evaluated: 2025-11-16. Review status: criteria provided, single submitter. Criteria: Invitae Variant Classification Sherloc (09022015). Collection method: clinical testing. Allele origin: germline.

Myriad Genetics, Inc.
Classification: Benign for Prostate cancer, hereditary, 9. Last evaluated: 2024-10-30. Review status: criteria provided, single submitter. Criteria: Myriad Autosomal Dominant, Autosomal Recessive and X-Linked Classification Criteria (2023). Collection method: clinical testing. Allele origin: unknown.
Comment: This variant is considered benign. This variant is a silent/synonymous amino acid change and it is not expected to impact splicing.

Ambry Genetics
Classification: Likely benign for Hereditary cancer-predisposing syndrome. Last evaluated: 2017-06-26. Review status: criteria provided, single submitter. Criteria: Ambry Variant Classification Scheme 2023. Collection method: clinical testing. Allele origin: germline.